The following is an entry in ClinVar:

NM_021961.6(TEAD1):c.1213T>A (p.Cys405Ser)

Gene: TEAD1 (TEA domain transcription factor 1; plus strand). Cytogenetic location: 11p15.3.
Variant type: single nucleotide variant.
Coding change: c.1213T>A on transcript NM_021961.6 (MANE Select); coding-DNA position 1213, T replaced by A.
Protein change: p.Cys405Ser; replaces cysteine 405 with serine.
Molecular consequence: missense variant.
Genome position (GRCh38, 1-based): chr11:12,937,154, T>A. VCF-style: chr11-12937154-T-A. GRCh37 (hg19) VCF-style: chr11-12958701-T-A.
Other names: c.1213T>A (NM_021961.5); short protein forms C405S.
Identifiers: ClinVar variation 1918591 (VCV001918591.7), dbSNP rs775912290, ClinGen allele CA5891850.
Genomic context (GRCh38, chr11:12,937,154, plus strand): 5'-TTTTTATCTTAACAGGTGGTAACAAACAGGGATACACAAGAAACTCTACTCTGCATGGCC[T>A]GTGTGTTTGAAGTTTCAAATAGTGAACACGGAGCACAACATCATATTTACAGGCTTGTAA-3'
Protein context (NP_068780.2, residues 395-415): DTQETLLCMA[Cys405Ser]VFEVSNSEHG

ClinVar aggregate classification (germline): Uncertain significance. Review status: criteria provided, multiple submitters, no conflicts (2 of 4 stars). 3 submissions from 3 submitters: Uncertain significance (3). Last evaluated 2025-11-20.

Conditions:
Inborn genetic diseases. Identifiers: MedGen C0950123, MeSH D030342.

Allele frequency attached by ClinVar (database versions not stated): ExAC 0.00001; gnomAD exomes 0.00001; TOPMed 0.00002; gnomAD 0.00003.
gnomAD v4.1: 12 of 1,613,960 alleles (0.00074%); highest among the groups gnomAD compares: African/African-American, 0.0053%; no homozygotes.

Submissions (3):

Ambry Genetics
Classification: Uncertain significance for Inborn genetic diseases. Last evaluated: 2025-11-20. Review status: criteria provided, single submitter. Criteria: Ambry Variant Classification Scheme 2023. Collection method: clinical testing. Allele origin: germline.

Labcorp Genetics (formerly Invitae), Labcorp
Classification: Uncertain significance. Last evaluated: 2024-01-29. Review status: criteria provided, single submitter. Criteria: Invitae Variant Classification Sherloc (09022015). Collection method: clinical testing. Allele origin: germline.
Comment: This sequence change replaces cysteine, which is neutral and slightly polar, with serine, which is neutral and polar, at codon 405 of the TEAD1 protein (p.Cys405Ser). This variant is present in population databases (rs775912290, gnomAD 0.008%). This variant has not been reported in the literature in individuals affected with TEAD1-related conditions. ClinVar contains an entry for this variant (Variation ID: 1918591). Advanced modeling of protein sequence and biophysical properties (such as structural, functional, and spatial information, amino acid conservation, physicochemical variation, residue mobility, and thermodynamic stability) performed at Invitae indicates that this missense variant is not expected to disrupt TEAD1 protein function with a negative predictive value of 80%. In summary, the available evidence is currently insufficient to determine the role of this variant in disease. Therefore, it has been classified as a Variant of Uncertain Significance.

Blueprint Genetics
Classification: Uncertain significance. Last evaluated: 2020-04-28. Review status: criteria provided, single submitter. Criteria: ACMG Guidelines, 2015. Collection method: clinical testing. Allele origin: germline.